The following is an entry in ClinVar:

NM_000384.3(APOB):c.7961A>G (p.Asn2654Ser)

Gene: APOB (apolipoprotein B; minus strand). Cytogenetic location: 2p24.1.
Variant type: single nucleotide variant.
Coding change: c.7961A>G on transcript NM_000384.3 (MANE Select); coding-DNA position 7961, A replaced by G.
Protein change: p.Asn2654Ser; replaces asparagine 2654 with serine.
Molecular consequence: missense variant.
Genome position (GRCh38, 1-based): chr2:21,008,907, T>C on the plus strand (A>G on the coding strand, the complement: APOB is on the minus strand). VCF-style: chr2-21008907-T-C. GRCh37 (hg19) VCF-style: chr2-21231779-T-C.
Other names: short protein forms N2654S.
Identifiers: ClinVar variation 3748929 (VCV003748929.2).

ClinVar aggregate classification (germline): Uncertain significance (1 of 4 stars; one submission).

Conditions:
Familial hypobetalipoproteinemia 1. Also called: APOB-Related Familial Hypobetalipoproteinemia; Hypobetalipoproteinemia, normotriglyceridemic; Acanthocytosis with hypobetalipoproteinemia. Identifiers: MedGen C4551990, MONDO:0014252, OMIM 615558.
Hypercholesterolemia, autosomal dominant, type B (FHCL2). Also called: Familial Hypercholesterolemia Type B; APOLIPOPROTEIN B-100, FAMILIAL DEFECTIVE; APOLIPOPROTEIN B-100, FAMILIAL LIGAND-DEFECTIVE; HYPERCHOLESTEROLEMIA, FAMILIAL, DUE TO LIGAND-DEFECTIVE APOLIPOPROTEIN B; Hyperlipoproteinemia Type IIb; Familial hypercholesterolemia 2. Identifiers: MedGen C1704417, MONDO:0007751, OMIM 144010.

Submission:

Labcorp Genetics (formerly Invitae), Labcorp
Classification: Uncertain significance for Familial hypobetalipoproteinemia 1; Hypercholesterolemia, autosomal dominant, type B. Last evaluated: 2024-04-03. Review status: criteria provided, single submitter. Criteria: Invitae Variant Classification Sherloc (09022015). Collection method: clinical testing. Allele origin: germline.
Comment: This sequence change replaces asparagine, which is neutral and polar, with serine, which is neutral and polar, at codon 2654 of the APOB protein (p.Asn2654Ser). This variant is not present in population databases (gnomAD no frequency). This variant has not been reported in the literature in individuals affected with APOB-related conditions. Advanced modeling of protein sequence and biophysical properties (such as structural, functional, and spatial information, amino acid conservation, physicochemical variation, residue mobility, and thermodynamic stability) performed at Invitae indicates that this missense variant is not expected to disrupt APOB protein function with a negative predictive value of 95%. In summary, the available evidence is currently insufficient to determine the role of this variant in disease. Therefore, it has been classified as a Variant of Uncertain Significance.